The following is an entry in ClinVar:

NM_031475.3(ESPN):c.317_318del (p.Thr106fs)

Gene: ESPN (espin; plus strand). Cytogenetic location: 1p36.31.
Variant type: Microsatellite.
Coding change: c.317_318del on transcript NM_031475.3 (MANE Select); coding-DNA positions 317 to 318, 2 bases deleted (CA; older notation c.317_318delCA).
Protein change: p.Thr106fs; shifts the reading frame from threonine 106.
Molecular consequence: frameshift variant.
Genome position (GRCh38, 1-based): chr1:6,428,248-6,428,249, CA deleted; deleting any 2 consecutive bases within chr1:6,428,246-6,428,249 gives the same sequence; the c. name uses the placement nearest the transcript's 3' end. VCF-style (leftmost placement, unchanged base first): chr1-6428245-CCA-C. GRCh37 (hg19) VCF-style: chr1-6488305-CCA-C.
Other names: c.317_318del, p.Thr106fs (NM_001367473.1, NM_001367474.1); short protein forms T106fs.
Identifiers: ClinVar variation 5007625 (VCV005007625.1).

ClinVar aggregate classification (germline): Likely pathogenic (1 of 4 stars; one submission).

Conditions:
Autosomal recessive nonsyndromic hearing loss 36. Also called: DEAFNESS, AUTOSOMAL RECESSIVE 36, WITH VESTIBULAR INVOLVEMENT; Deafness, autosomal recessive 36. Identifiers: Orphanet 90636, MedGen C1837007, MONDO:0012170, OMIM 609006.
Usher syndrome, type 1M. Identifiers: MedGen C5231434, MONDO:0032841, OMIM 618632.

Submission:

Juno Genomics, Hangzhou Juno Genomics, Inc
Classification: Likely pathogenic for Usher syndrome, type 1M; Autosomal recessive nonsyndromic hearing loss 36. Review status: criteria provided, single submitter. Criteria: ACMG Guidelines, 2015. Collection method: clinical testing. Allele origin: germline. Affected: yes.
Comment: Absent from controls (or at extremely low frequency if recessive) in Genome Aggregation Database.;Null variant in a gene where loss of function (LOF) is a known mechanism of disease.